The following is an entry in ClinVar:

ClinVar aggregate classification (germline): Conflicting classifications of pathogenicity. Review status: criteria provided, conflicting classifications (1 of 4 stars). 3 submissions from 3 submitters: Uncertain significance (1); Likely benign (2). Last evaluated 2025-10-29.

Conditions:
TH-related disorder. Also called: TH-related condition.
TH-deficient dopa-responsive dystonia. Also called: DYT-TH; Segawa syndrome, autosomal recessive; Tyrosine Hydroxylase-Deficient Dopa-Responsive Dystonia. Identifiers: Orphanet 101150, MedGen C2673535, MONDO:0011551, OMIM 605407.

Allele frequency attached by ClinVar (database versions not stated): gnomAD exomes 0.00002; gnomAD 0.00002; TOPMed 0.00002; ExAC 0.00002.

Submissions (3):

PreventionGenetics, part of Exact Sciences
Classification: Likely benign for TH-related condition. Last evaluated: 2025-10-29. Review status: criteria provided, single submitter. Criteria: ACMG Guidelines, 2015. Collection method: clinical testing. Allele origin: germline.
Comment: This variant is classified as likely benign based on ACMG/AMP sequence variant interpretation guidelines (Richards et al. 2015 PMID: 25741868, with internal and published modifications).

Labcorp Genetics (formerly Invitae), Labcorp
Classification: Likely benign for TH-deficient dopa-responsive dystonia. Last evaluated: 2024-07-15. Review status: criteria provided, single submitter. Criteria: Invitae Variant Classification Sherloc (09022015). Collection method: clinical testing. Allele origin: germline.

Illumina Laboratory Services, Illumina
Classification: Uncertain significance for TH-deficient dopa-responsive dystonia. Last evaluated: 2018-01-13. Review status: criteria provided, single submitter. Criteria: ICSL Variant Classification Criteria 13 December 2019. Collection method: clinical testing. Allele origin: germline.

NM_000360.4(TH):c.360G>A (p.Arg120=)

Gene: TH (tyrosine hydroxylase; minus strand). Cytogenetic location: 11p15.5.
Variant type: single nucleotide variant.
Coding change: c.360G>A on transcript NM_000360.4 (MANE Select); coding-DNA position 360, G replaced by A.
Protein change: p.Arg120=; no amino-acid change (arginine 120 retained).
Molecular consequence: synonymous variant.
Genome position (GRCh38, 1-based): chr11:2,168,618, C>T on the plus strand (G>A on the coding strand, the complement: TH is on the minus strand). VCF-style: chr11-2168618-C-T. GRCh37 (hg19) VCF-style: chr11-2189848-C-T.
Other names: c.453G>A, p.Arg151= (NM_199292.3); c.441G>A, p.Arg147= (NM_199293.3); c.453G>A (NM_199292.2).
Identifiers: ClinVar variation 304081 (VCV000304081.15), dbSNP rs761868828, ClinGen allele CA5818696.